The following is an entry in ClinVar:

NM_003052.5(SLC34A1):c.645G>A (p.Arg215=)

Gene: SLC34A1 (solute carrier family 34 member 1; plus strand). Cytogenetic location: 5q35.3.
Variant type: single nucleotide variant.
Coding change: c.645G>A on transcript NM_003052.5 (MANE Select); coding-DNA position 645, G replaced by A.
Protein change: p.Arg215=; no amino-acid change (arginine 215 retained).
Molecular consequence: synonymous variant.
Genome position (GRCh38, 1-based): chr5:177,387,994, G>A. VCF-style: chr5-177387994-G-A. GRCh37 (hg19) VCF-style: chr5-176814995-G-A.
Other names: c.645G>A, p.Arg215= (NM_001167579.2).
Identifiers: ClinVar variation 940197 (VCV000940197.9), dbSNP rs753903046, ClinGen allele CA3580492.

ClinVar aggregate classification (germline): Uncertain significance. Review status: criteria provided, multiple submitters, no conflicts (2 of 4 stars). 2 submissions from 2 submitters: Uncertain significance (2). Last evaluated 2024-01-03.

Conditions:
Hypercalcemia, infantile, 2 (HCINF2). Identifiers: Orphanet 300547, MedGen C4310473, MONDO:0014851, OMIM 616963.
Hypophosphatemic nephrolithiasis/osteoporosis 1. Identifiers: Orphanet 244305, MedGen C2676786, MONDO:0012850, OMIM 612286.
Fanconi renotubular syndrome 2 (FRTS2). Identifiers: MedGen C3150652, MONDO:0013247, OMIM 613388.

Allele frequency attached by ClinVar (database versions not stated): ExAC 0.00001; gnomAD 0.00001; gnomAD exomes 0.00001; TOPMed 0.00002.
gnomAD v4.1: 9 of 1,612,556 alleles (0.00056%); highest among the groups gnomAD compares: East Asian, 0.0022%; no homozygotes.

Submissions (2):

Fulgent Genetics
Classification: Uncertain significance for Hypophosphatemic nephrolithiasis/osteoporosis 1; Fanconi renotubular syndrome 2; Hypercalcemia, infantile, 2. Last evaluated: 2024-01-03. Review status: criteria provided, single submitter. Criteria: ACMG Guidelines, 2015. Collection method: clinical testing. Allele origin: germline.

Labcorp Genetics (formerly Invitae), Labcorp
Classification: Uncertain significance. Last evaluated: 2021-09-30. Review status: criteria provided, single submitter. Criteria: Invitae Variant Classification Sherloc (09022015). Collection method: clinical testing. Allele origin: germline.
Comment: This sequence change affects codon 215 of the SLC34A1 mRNA. It is a 'silent' change, meaning that it does not change the encoded amino acid sequence of the SLC34A1 protein. The frequency data for this variant in the population databases is considered unreliable, as metrics indicate poor data quality at this position in the ExAC database. This variant has not been reported in the literature in individuals with SLC34A1-related conditions. Algorithms developed to predict the effect of sequence changes on RNA splicing suggest that this variant is not likely to affect RNA splicing, but this prediction has not been confirmed by published transcriptional studies. In summary, the available evidence is currently insufficient to determine the role of this variant in disease. Therefore, it has been classified as a Variant of Uncertain Significance.